The following is an entry in ClinVar:

Conditions:
Breast-ovarian cancer, familial, susceptibility to, 1 (BROVCA1). Also called: BRCA1 Hereditary Breast and Ovarian Cancer; OVARIAN CANCER, SUSCEPTIBILITY TO. Identifiers: Orphanet 145, MedGen C2676676, MONDO:0011450, OMIM 604370. Disease mechanism: loss of function.

Submission:

Brotman Baty Institute, University of Washington
No classification provided (evidence only). Condition: Breast-ovarian cancer, familial 1. Review status: no classification provided. Collection method: in vitro. Allele origin: not applicable. Functional consequence: function_uncertain_variant.
ClinVar note: "not provided" was previously submitted as the classification for the variant. However, the classification appeared to be based only on an observation of functional data so it was converted to no classification on 2025-07-30.

NM_007294.4(BRCA1):c.5A>T (p.Asp2Val)

Gene: BRCA1 (BRCA1 DNA repair associated; minus strand). Cytogenetic location: 17q21.31.
Variant type: single nucleotide variant.
Coding change: c.5A>T on transcript NM_007294.4 (MANE Select); coding-DNA position 5, A replaced by T.
Protein change: p.Asp2Val; replaces aspartic acid 2 with valine.
Molecular consequence: missense variant. On other transcripts: 5 prime UTR variant (1), non-coding transcript variant (1).
Genome position (GRCh38, 1-based): chr17:43,124,092, T>A on the plus strand (A>T on the coding strand, the complement: BRCA1 is on the minus strand). VCF-style: chr17-43124092-T-A. GRCh37 (hg19) VCF-style: chr17-41276109-T-A.
Other names: c.-184A>T (NM_001407571.1, NM_001407853.1, NM_001407879.1 and 46 more transcripts); c.5A>T, p.Asp2Val (NM_001407581.1, NM_001407582.1, NM_001407583.1 and 193 more transcripts); c.-253A>T (NM_001407694.1, NM_001407724.1, NM_001407727.1 and 11 more transcripts); c.-257A>T (NM_001407695.1, NM_001408465.1); c.-398A>T (NM_001407696.1); c.-282A>T (NM_001407697.1, NM_001407846.1, NM_001407920.1); c.-83A>T (NM_001407698.1, NM_001407732.1, NM_001407736.1 and 23 more transcripts); c.-256A>T (NM_001407725.1, NM_001407730.1, NM_001407734.1 and 22 more transcripts); and 8 more; short protein forms D2V.
Identifiers: ClinVar variation 868685 (VCV000868685.3), dbSNP rs2055745664, ClinGen allele CA10602147.